The following is an entry in ClinVar:

ClinVar aggregate classification (germline): Conflicting classifications of pathogenicity. Review status: criteria provided, conflicting classifications (1 of 4 stars). 4 submissions from 4 submitters: Uncertain significance (3); Likely benign (1). Last evaluated 2026-01-25.

Conditions:
Colorectal cancer. Also called: Colorectal cancer, somatic; Malignant Colorectal Neoplasm. Identifiers: MedGen C0346629, MONDO:0005575, OMIM 114500.
Familial spontaneous pneumothorax (PSP). Identifiers: Orphanet 2903, MedGen C1868193, MONDO:0008259, OMIM 173600.
Nonpapillary renal cell carcinoma. Identifiers: Orphanet 422526, MedGen CN074294, MONDO:0007763, OMIM 144700.
Birt-Hogg-Dube syndrome 1 (BHD1). Also called: FIBROFOLLICULOMAS WITH TRICHODISCOMAS AND ACROCHORDONS. Identifiers: Orphanet 122, MedGen CN375946, MONDO:0800445, OMIM 135150.
Hereditary cancer-predisposing syndrome. Also called: Neoplastic Syndromes, Hereditary; Tumor predisposition; Hereditary neoplastic syndrome; Hereditary Cancer Syndrome. Identifiers: Orphanet 140162, MedGen C0027672, MeSH D009386, MONDO:0015356.
Birt-Hogg-Dube syndrome. Also called: Birt Hogg Dubé syndrome. Identifiers: Orphanet 122, MedGen C0346010, MONDO:0800444.

Allele frequency attached by ClinVar (database versions not stated): TOPMed below 0.00001; gnomAD exomes 0.00001.

Submissions (4):

Labcorp Genetics (formerly Invitae), Labcorp
Classification: Uncertain significance for Birt-Hogg-Dube syndrome. Last evaluated: 2026-01-25. Review status: criteria provided, single submitter. Criteria: Invitae Variant Classification Sherloc (09022015). Collection method: clinical testing. Allele origin: germline.
Comment: This sequence change replaces leucine, which is neutral and non-polar, with proline, which is neutral and non-polar, at codon 205 of the FLCN protein (p.Leu205Pro). This variant is not present in population databases (gnomAD no frequency). This variant has not been reported in the literature in individuals affected with FLCN-related conditions. ClinVar contains an entry for this variant (Variation ID: 241929). Invitae Evidence Modeling of protein sequence and biophysical properties (such as structural, functional, and spatial information, amino acid conservation, physicochemical variation, residue mobility, and thermodynamic stability) indicates that this missense variant is not expected to disrupt FLCN protein function with a negative predictive value of 80%. In summary, the available evidence is currently insufficient to determine the role of this variant in disease. Therefore, it has been classified as a Variant of Uncertain Significance.

Fulgent Genetics
Classification: Uncertain significance for Colorectal cancer; Birt-Hogg-Dube syndrome 1; Nonpapillary renal cell carcinoma; Familial spontaneous pneumothorax. Last evaluated: 2024-06-07. Review status: criteria provided, single submitter. Criteria: ACMG Guidelines, 2015. Collection method: clinical testing. Allele origin: germline.

GeneDx
Classification: Uncertain significance. Last evaluated: 2024-03-18. Review status: criteria provided, single submitter. Criteria: GeneDx Variant Classification Process June 2021. Collection method: clinical testing. Allele origin: germline. Affected: yes.
Comment: Not observed at significant frequency in large population cohorts (gnomAD); In silico analysis supports that this missense variant does not alter protein structure/function; Has not been previously published as pathogenic or benign to our knowledge

Ambry Genetics
Classification: Likely benign for Hereditary cancer-predisposing syndrome. Last evaluated: 2022-12-01. Review status: criteria provided, single submitter. Criteria: Ambry Variant Classification Scheme 2023. Collection method: clinical testing. Allele origin: germline.

NM_144997.7(FLCN):c.614T>C (p.Leu205Pro)

Gene: FLCN (folliculin; minus strand). Cytogenetic location: 17p11.2.
Variant type: single nucleotide variant.
Coding change: c.614T>C on transcript NM_144997.7 (MANE Select); coding-DNA position 614, T replaced by C.
Protein change: p.Leu205Pro; replaces leucine 205 with proline.
Molecular consequence: missense variant.
Genome position (GRCh38, 1-based): chr17:17,223,926, A>G on the plus strand (T>C on the coding strand, the complement: FLCN is on the minus strand). VCF-style: chr17-17223926-A-G. GRCh37 (hg19) VCF-style: chr17-17127240-A-G.
Other names: c.614T>C (LRG_325t1); c.668T>C, p.Leu223Pro (NM_001353229.2); c.614T>C, p.Leu205Pro (NM_001353230.2, NM_001353231.2, NM_144606.7); short protein forms L205P, L223P.
Identifiers: ClinVar variation 241929 (VCV000241929.17), dbSNP rs878855219, ClinGen allele CA10583456.